The following is an entry in ClinVar:

ClinVar aggregate classification (germline): Likely benign (1 of 4 stars; one submission).

Allele frequency attached by ClinVar (database versions not stated): ExAC 0.00001; gnomAD exomes 0.00001 and 0.00002.
gnomAD v4.1: 14 of 1,197,625 alleles (0.0012%); highest among the groups gnomAD compares: South Asian, 0.025%; no homozygotes.

Submission:

GeneDx
Classification: Likely benign. Last evaluated: 2017-08-02. Review status: criteria provided, single submitter. Criteria: GeneDx Variant Classification (06012015). Collection method: clinical testing. Allele origin: germline. Affected: yes.
Comment: This variant is considered likely benign or benign based on one or more of the following criteria: it is a conservative change, it occurs at a poorly conserved position in the protein, it is predicted to be benign by multiple in silico algorithms, and/or has population frequency not consistent with disease.

NM_005334.3(HCFC1):c.4089T>C (p.Thr1363=)

Gene: HCFC1 (host cell factor C1; minus strand). Cytogenetic location: Xq28.
Variant type: single nucleotide variant.
Coding change: c.4089T>C on transcript NM_005334.3 (MANE Select); coding-DNA position 4089, T replaced by C.
Protein change: p.Thr1363=; no amino-acid change (threonine 1363 retained).
Molecular consequence: synonymous variant.
Genome position (GRCh38, 1-based): chrX:153,954,310, A>G on the plus strand (T>C on the coding strand, the complement: HCFC1 is on the minus strand). VCF-style: chrX-153954310-A-G. GRCh37 (hg19) VCF-style: chrX-153219761-A-G.
Identifiers: ClinVar variation 511003 (VCV000511003.1), dbSNP rs782162129, ClinGen allele CA10557080.